The following is an entry in ClinVar:

ClinVar aggregate classification (germline): Uncertain significance (1 of 4 stars; one submission).

Conditions:
CACNA1G-related disorder. Also called: CACNA1G-related condition; CACNA1G-related disorders.

Submission:

PreventionGenetics, part of Exact Sciences
Classification: Uncertain significance for CACNA1G-related condition. Last evaluated: 2023-09-13. Review status: criteria provided, single submitter. Criteria: ACMG Guidelines, 2015. Collection method: clinical testing. Allele origin: germline.
Comment: The CACNA1G c.6418_6419delTC variant is predicted to result in a frameshift and premature protein termination (p.Ser2140Leufs*124). To our knowledge, this variant has not been reported in the literature or in a large population database, indicating this variant is rare. At this time, the clinical significance of this variant is uncertain due to the absence of conclusive functional and genetic evidence.

NM_018896.5(CACNA1G):c.6418_6419del (p.Ser2140fs)

Gene: CACNA1G (calcium voltage-gated channel subunit alpha1 G; plus strand). Cytogenetic location: 17q21.33.
Variant type: Deletion.
Coding change: c.6418_6419del on transcript NM_018896.5 (MANE Select); coding-DNA positions 6418 to 6419, 2 bases deleted (TC; older notation c.6418_6419delTC).
Protein change: p.Ser2140fs; shifts the reading frame from serine 2140.
Molecular consequence: frameshift variant. On other transcripts: non-coding transcript variant (5).
Genome position (GRCh38, 1-based): chr17:50,626,035-50,626,036, TC deleted; deleting any 2 consecutive bases within chr17:50,626,034-50,626,036 gives the same sequence; the c. name uses the placement nearest the transcript's 3' end. VCF-style (leftmost placement, unchanged base first): chr17-50626033-ACT-A. GRCh37 (hg19) VCF-style: chr17-48703394-ACT-A.
Other names: c.6229_6230del, p.Ser2077fs (NM_001256324.2); c.6160_6161del, p.Ser2054fs (NM_001256325.2); c.6148_6149del, p.Ser2050fs (NM_001256326.2); c.6118_6119del, p.Ser2040fs (NM_001256327.2); c.6064_6065del, p.Ser2022fs (NM_001256328.2); c.6037_6038del, p.Ser2013fs (NM_001256329.2, NM_198376.3, NM_198387.3); c.6004_6005del, p.Ser2002fs (NM_001256330.2); c.5983_5984del, p.Ser1995fs (NM_001256331.2); and 15 more; short protein forms S1990fs, S1995fs, S2002fs, S2006fs, S2009fs, S2011fs, S2013fs, S2020fs.
Identifiers: ClinVar variation 2630718 (VCV002630718.1), dbSNP rs2545913954, ClinGen allele CA2695200285.